The following is an entry in ClinVar:

NM_014956.5(CEP164):c.3361A>G (p.Thr1121Ala)

Gene: CEP164 (centrosomal protein 164; plus strand). Cytogenetic location: 11q23.3.
Variant type: single nucleotide variant.
Coding change: c.3361A>G on transcript NM_014956.5 (MANE Select); coding-DNA position 3361, A replaced by G.
Protein change: p.Thr1121Ala; replaces threonine 1121 with alanine.
Molecular consequence: missense variant.
Genome position (GRCh38, 1-based): chr11:117,397,173, A>G. VCF-style: chr11-117397173-A-G. GRCh37 (hg19) VCF-style: chr11-117267889-A-G.
Other names: c.3370A>G, p.Thr1124Ala (NM_001271933.2); short protein forms T1121A, T1124A.
Identifiers: ClinVar variation 2092127 (VCV002092127.4), dbSNP rs140391148, ClinGen allele CA6295428.

ClinVar aggregate classification (germline): Uncertain significance (1 of 4 stars; one submission).

Conditions:
Nephronophthisis 15 (NPHP15). Identifiers: Orphanet 3156, MedGen C3541853, MONDO:0013917, OMIM 614845.

Allele frequency attached by ClinVar (database versions not stated): gnomAD exomes 0.00001; ExAC 0.00002; 1000 Genomes Project 30x 0.00016; 1000 Genomes Project 0.00020.
gnomAD v4.1: 5 of 1,614,154 alleles (0.00031%); highest among the groups gnomAD compares: Non-Finnish European, 0.00042%; no homozygotes.

Submission:

Labcorp Genetics (formerly Invitae), Labcorp
Classification: Uncertain significance for Nephronophthisis 15. Last evaluated: 2022-11-01. Review status: criteria provided, single submitter. Criteria: Invitae Variant Classification Sherloc (09022015). Collection method: clinical testing. Allele origin: germline.
Comment: In summary, the available evidence is currently insufficient to determine the role of this variant in disease. Therefore, it has been classified as a Variant of Uncertain Significance. Advanced modeling of protein sequence and biophysical properties (such as structural, functional, and spatial information, amino acid conservation, physicochemical variation, residue mobility, and thermodynamic stability) has been performed at Invitae for this missense variant, however the output from this modeling did not meet the statistical confidence thresholds required to predict the impact of this variant on CEP164 protein function. This variant has not been reported in the literature in individuals affected with CEP164-related conditions. This variant is present in population databases (rs140391148, gnomAD 0.004%). This sequence change replaces threonine, which is neutral and polar, with alanine, which is neutral and non-polar, at codon 1121 of the CEP164 protein (p.Thr1121Ala).